The following is an entry in ClinVar:

ClinVar aggregate classification (germline): Uncertain significance. Review status: criteria provided, multiple submitters, no conflicts (2 of 4 stars). 3 submissions from 3 submitters: Uncertain significance (2). 1 of the submissions does not count toward it. Last evaluated 2024-11-12.

Conditions:
Inborn genetic diseases. Identifiers: MedGen C0950123, MeSH D030342.
Agenesis of the corpus callosum with peripheral neuropathy (ACCPN). Also called: Hereditary Motor and Sensory Neuropathy with Agenesis of the Corpus Callosum; POLYNEUROPATHY, SENSORIMOTOR, WITH OR WITHOUT AGENESIS OF THE CORPUS CALLOSUM; HMSN/ACC; CHARLEVOIX DISEASE. Identifiers: Orphanet 1496, MedGen C0795950, MONDO:0000902, OMIM 218000. Disease mechanism: loss of function.

Allele frequency attached by ClinVar (database versions not stated): gnomAD exomes 0.00002 and 0.00004; TOPMed 0.00002; ExAC 0.00003; gnomAD 0.00003 and 0.00004; ESP Exome Variant Server 0.00008.
gnomAD v4.1: 31 of 1,611,158 alleles (0.0019%); highest among the groups gnomAD compares: Middle Eastern, 0.016%; no homozygotes.

Submissions (3):

Ambry Genetics
Classification: Uncertain significance for Inborn genetic diseases. Last evaluated: 2024-11-12. Review status: criteria provided, single submitter. Criteria: Ambry Variant Classification Scheme 2023. Collection method: clinical testing. Allele origin: germline.

Labcorp Genetics (formerly Invitae), Labcorp
Classification: Uncertain significance. Last evaluated: 2024-08-06. Review status: criteria provided, single submitter. Criteria: Invitae Variant Classification Sherloc (09022015). Collection method: clinical testing. Allele origin: germline.
Comment: This sequence change replaces serine, which is neutral and polar, with cysteine, which is neutral and slightly polar, at codon 495 of the SLC12A6 protein (p.Ser495Cys). This variant is present in population databases (rs373077646, gnomAD 0.008%). This variant has not been reported in the literature in individuals affected with SLC12A6-related conditions. ClinVar contains an entry for this variant (Variation ID: 991875). Advanced modeling of protein sequence and biophysical properties (such as structural, functional, and spatial information, amino acid conservation, physicochemical variation, residue mobility, and thermodynamic stability) performed at Invitae indicates that this missense variant is expected to disrupt SLC12A6 protein function with a positive predictive value of 80%. In summary, the available evidence is currently insufficient to determine the role of this variant in disease. Therefore, it has been classified as a Variant of Uncertain Significance.

Natera, Inc.
Classification: Uncertain significance for Andermann syndrome. Last evaluated: 2020-04-18. Review status: no assertion criteria provided. Collection method: clinical testing. Allele origin: germline. Not counted in ClinVar's aggregate classification.

NM_001365088.1(SLC12A6):c.1484C>G (p.Ser495Cys)

Gene: SLC12A6 (solute carrier family 12 member 6; minus strand). Cytogenetic location: 15q14.
Variant type: single nucleotide variant.
Coding change: c.1484C>G on transcript NM_001365088.1 (MANE Select); coding-DNA position 1484, C replaced by G.
Protein change: p.Ser495Cys; replaces serine 495 with cysteine.
Molecular consequence: missense variant.
Genome position (GRCh38, 1-based): chr15:34,250,907, G>C on the plus strand (C>G on the coding strand, the complement: SLC12A6 is on the minus strand). VCF-style: chr15-34250907-G-C. GRCh37 (hg19) VCF-style: chr15-34543108-G-C.
Other names: c.1307C>G, p.Ser436Cys (NM_001042494.2, NM_001042495.2); c.1457C>G, p.Ser486Cys (NM_001042496.2); c.1439C>G, p.Ser480Cys (NM_001042497.2); c.1331C>G, p.Ser444Cys (NM_005135.2); c.1484C>G, p.Ser495Cys (NM_133647.2); short protein forms S436C, S444C, S480C, S486C, S495C.
Identifiers: ClinVar variation 991875 (VCV000991875.7), dbSNP rs373077646, ClinGen allele CA7464303.